The following is an entry in ClinVar:

NM_000787.4(DBH):c.614C>T (p.Pro205Leu)

Gene: DBH (dopamine beta-hydroxylase; plus strand). Cytogenetic location: 9q34.2.
Variant type: single nucleotide variant.
Coding change: c.614C>T on transcript NM_000787.4 (MANE Select); coding-DNA position 614, C replaced by T.
Protein change: p.Pro205Leu; replaces proline 205 with leucine.
Molecular consequence: missense variant.
Genome position (GRCh38, 1-based): chr9:133,642,334, C>T. VCF-style: chr9-133642334-C-T. GRCh37 (hg19) VCF-style: chr9-136507456-C-T.
Other names: short protein forms P205L.
Identifiers: ClinVar variation 1354976 (VCV001354976.7), dbSNP rs200430427, ClinGen allele CA5313137.

ClinVar aggregate classification (germline): Uncertain significance (1 of 4 stars; one submission).

Conditions:
Orthostatic hypotension 1 (ORTHYP1). Also called: NORADRENALINE DEFICIENCY; NOREPINEPHRINE DEFICIENCY; Orthostatic hypotension 1, due to DBH deficiency; Dopamine beta-hydroxylase deficiency. Identifiers: Orphanet 230, MedGen C4746777, MONDO:0009123, OMIM 223360.

Allele frequency attached by ClinVar (database versions not stated): ExAC 0.00005; gnomAD exomes 0.00005; gnomAD 0.00007 and 0.00008; ESP Exome Variant Server 0.00015; 1000 Genomes Project 30x 0.00016; 1000 Genomes Project 0.00020.
gnomAD v4.1: 80 of 1,614,186 alleles (0.005%); highest among the groups gnomAD compares: Admixed American, 0.012%; 1 homozygote.

Submission:

Labcorp Genetics (formerly Invitae), Labcorp
Classification: Uncertain significance for Orthostatic hypotension 1. Last evaluated: 2025-11-03. Review status: criteria provided, single submitter. Criteria: Invitae Variant Classification Sherloc (09022015). Collection method: clinical testing. Allele origin: germline.
Comment: This sequence change replaces proline, which is neutral and non-polar, with leucine, which is neutral and non-polar, at codon 205 of the DBH protein (p.Pro205Leu). This variant is present in population databases (rs200430427, gnomAD 0.02%). This variant has not been reported in the literature in individuals affected with DBH-related conditions. ClinVar contains an entry for this variant (Variation ID: 1354976). Invitae Evidence Modeling of protein sequence and biophysical properties (such as structural, functional, and spatial information, amino acid conservation, physicochemical variation, residue mobility, and thermodynamic stability) indicates that this missense variant is expected to disrupt DBH protein function with a positive predictive value of 80%. In summary, the available evidence is currently insufficient to determine the role of this variant in disease. Therefore, it has been classified as a Variant of Uncertain Significance.